The following is an entry in ClinVar:

ClinVar aggregate classification (germline): Uncertain significance (1 of 4 stars; one submission).

Conditions:
3-methylglutaconic aciduria, type VIIB (MGCA7B). Also called: 3-methylglutaconic aciduria with cataracts, neurologic involvement and neutropenia; 3-methylglutaconic aciduria, type VII, with cataracts, neurologic involvement and neutropenia; CLPB Deficiency. Identifiers: Orphanet 445038, MedGen C5676893, MONDO:0014561, OMIM 616271.

Submission:

Labcorp Genetics (formerly Invitae), Labcorp
Classification: Uncertain significance for 3-methylglutaconic aciduria, type VIIB. Last evaluated: 2024-04-25. Review status: criteria provided, single submitter. Criteria: Invitae Variant Classification Sherloc (09022015). Collection method: clinical testing. Allele origin: germline.
Comment: This sequence change falls in intron 11 of the CLPB gene. It does not directly change the encoded amino acid sequence of the CLPB protein. It affects a nucleotide within the consensus splice site. This variant is not present in population databases (gnomAD no frequency). This variant has not been reported in the literature in individuals affected with CLPB-related conditions. ClinVar contains an entry for this variant (Variation ID: 1963828). Variants that disrupt the consensus splice site are a relatively common cause of aberrant splicing (PMID: 17576681, 9536098). Algorithms developed to predict the effect of sequence changes on RNA splicing suggest that this variant is not likely to affect RNA splicing. In summary, the available evidence is currently insufficient to determine the role of this variant in disease. Therefore, it has been classified as a Variant of Uncertain Significance.

Literature cited by the submitters: PubMed 17576681; PubMed 9536098.

NM_001258392.3(CLPB):c.1167+3G>T

Genes: CLPB (ClpB family mitochondrial disaggregase; minus strand), LOC126861258 (MED14-independent group 3 enhancer GRCh37_chr11:72012242-72013441; plus strand). Cytogenetic location: 11q13.4.
Variant type: single nucleotide variant.
Coding change: c.1167+3G>T on transcript NM_001258392.3 (MANE Select); 3 bases into the intron after coding-DNA position 1167, G replaced by T.
Molecular consequence: intron variant.
Genome position (GRCh38, 1-based): chr11:72,302,301, C>A on the plus strand (G>T on the coding strand, the complement: CLPB is on the minus strand). VCF-style: chr11-72302301-C-A. GRCh37 (hg19) VCF-style: chr11-72013345-C-A.
Other names: c.1080+3G>T (NM_001258393.3); c.1257+3G>T (NM_030813.6); c.1122+3G>T (NM_001258394.3).
Identifiers: ClinVar variation 1963828 (VCV001963828.5), dbSNP rs537259792, ClinGen allele CA475607921.